The following is an entry in ClinVar:

ClinVar aggregate classification (germline): Conflicting classifications of pathogenicity. Review status: criteria provided, conflicting classifications (1 of 4 stars). 3 submissions from 3 submitters: Likely pathogenic (1); Uncertain significance (2). Last evaluated 2026-01-21.

Conditions:
Hereditary cancer-predisposing syndrome. Also called: Hereditary neoplastic syndrome; Neoplastic Syndromes, Hereditary; Tumor predisposition; Hereditary Cancer Syndrome. Identifiers: Orphanet 140162, MedGen C0027672, MeSH D009386, MONDO:0015356.
Ovarian cancer. Also called: OVARIAN CANCER, SOMATIC. Identifiers: Orphanet 213500, MedGen C1140680, MONDO:0008170, OMIM 167000.
Hereditary pheochromocytoma and paraganglioma. Also called: Hereditary Paraganglioma-Pheochromocytoma Syndromes; Hereditary paragangliomas and pheochromocytomas; Hereditary pheochromocytoma-paraganglioma. Identifiers: Orphanet 29072, MedGen C4274332, MONDO:0017366.

Allele frequency attached by ClinVar (database versions not stated): gnomAD exomes 0.00001 and 0.00006; TOPMed 0.00002; gnomAD 0.00003; ExAC 0.00005.
gnomAD v4.1: 21 of 1,614,006 alleles (0.0013%); highest among the groups gnomAD compares: East Asian, 0.038%; no homozygotes.

Submissions (3):

Labcorp Genetics (formerly Invitae), Labcorp
Classification: Uncertain significance for Hereditary pheochromocytoma and paraganglioma. Last evaluated: 2026-01-21. Review status: criteria provided, single submitter. Criteria: Invitae Variant Classification Sherloc (09022015). Collection method: clinical testing. Allele origin: germline.
Comment: This sequence change replaces histidine, which is basic and polar, with arginine, which is basic and polar, at codon 165 of the TMEM127 protein (p.His165Arg). The frequency data for this variant in the population databases is considered unreliable, as metrics indicate poor data quality at this position in the gnomAD database. This variant has not been reported in the literature in individuals affected with TMEM127-related conditions. ClinVar contains an entry for this variant (Variation ID: 241224). An algorithm developed to predict the effect of missense changes on protein structure and function (PolyPhen-2) suggests that this variant is likely to be disruptive. In summary, the available evidence is currently insufficient to determine the role of this variant in disease. Therefore, it has been classified as a Variant of Uncertain Significance.

Ambry Genetics
Classification: Uncertain significance for Hereditary cancer-predisposing syndrome. Last evaluated: 2024-10-31. Review status: criteria provided, single submitter. Criteria: Ambry Variant Classification Scheme 2023. Collection method: clinical testing. Allele origin: germline.
Comment: The p.H165R variant (also known as c.494A>G), located in coding exon 3 of the TMEM127 gene, results from an A to G substitution at nucleotide position 494. The histidine at codon 165 is replaced by arginine, an amino acid with highly similar properties. This amino acid position is highly conserved in available vertebrate species. In addition, this alteration is predicted to be deleterious by in silico analysis. Based on the available evidence, the clinical significance of this variant remains unclear.

Laboratory of Molecular Epidemiology of Birth Defects, West China Second University Hospital, Sichuan University
Classification: Likely pathogenic for Ovarian cancer. Last evaluated: 2022-01-01. Review status: criteria provided, single submitter. Criteria: ACMG Guidelines, 2015. Collection method: clinical testing. Allele origin: germline. Affected: yes.

NM_017849.4(TMEM127):c.494A>G (p.His165Arg)

Gene: TMEM127 (transmembrane protein 127; minus strand). Cytogenetic location: 2q11.2.
Variant type: single nucleotide variant.
Coding change: c.494A>G on transcript NM_017849.4 (MANE Select); coding-DNA position 494, A replaced by G.
Protein change: p.His165Arg; replaces histidine 165 with arginine.
Molecular consequence: missense variant.
Genome position (GRCh38, 1-based): chr2:96,254,031, T>C on the plus strand (A>G on the coding strand, the complement: TMEM127 is on the minus strand). VCF-style: chr2-96254031-T-C. GRCh37 (hg19) VCF-style: chr2-96919769-T-C.
Other names: c.494A>G, p.His165Arg (NM_001193304.3); short protein forms H165R.
Identifiers: ClinVar variation 241224 (VCV000241224.15), dbSNP rs752030320, ClinGen allele CA1777293.